The following is an entry in ClinVar:

ClinVar aggregate classification (germline): Likely benign. Review status: criteria provided, multiple submitters, no conflicts (2 of 4 stars). 2 submissions from 2 submitters: Likely benign (2). Last evaluated 2025-04-14.

Allele frequency attached by ClinVar (database versions not stated): gnomAD exomes 0.00004; ExAC 0.00008; gnomAD 0.00018; TOPMed 0.00045.
gnomAD v4.1: 92 of 1,613,782 alleles (0.0057%); highest among the groups gnomAD compares: Admixed American, 0.065%; no homozygotes.

Submissions (2):

Labcorp Genetics (formerly Invitae), Labcorp
Classification: Likely benign. Last evaluated: 2025-04-14. Review status: criteria provided, single submitter. Criteria: Invitae Variant Classification Sherloc (09022015). Collection method: clinical testing. Allele origin: germline.

CeGaT Center for Human Genetics Tuebingen
Classification: Likely benign. Last evaluated: 2022-07-01. Review status: criteria provided, single submitter. Criteria: CeGaT Center For Human Genetics Tuebingen Variant Classification Criteria Version 2. Collection method: clinical testing. Allele origin: germline. Affected: yes. Observed: 1 variant allele.
Comment: CNOT3: BP4, BP7

NM_014516.4(CNOT3):c.519C>T (p.Ile173=)

Gene: CNOT3 (CCR4-NOT transcription complex subunit 3; plus strand). Cytogenetic location: 19q13.42.
Variant type: single nucleotide variant.
Coding change: c.519C>T on transcript NM_014516.4 (MANE Select); coding-DNA position 519, C replaced by T.
Protein change: p.Ile173=; no amino-acid change (isoleucine 173 retained).
Molecular consequence: synonymous variant.
Genome position (GRCh38, 1-based): chr19:54,145,633, C>T. VCF-style: chr19-54145633-C-T. GRCh37 (hg19) VCF-style: chr19-54649369-C-T.
Identifiers: ClinVar variation 2650416 (VCV002650416.27), dbSNP rs755267492, ClinGen allele CA309339065.
Genomic context (GRCh38, chr19:54,145,633, plus strand): 5'-AGCCTGGCCCTGGGCTCGCCAGCAGAAGCAGGACCGGATTGAGGGCTTGAAGCGGCACAT[C>T]GAGAAGCACCGCTACCACGTGCGCATGCTAGAGACCATCCTGCGCATGCTGGACAATGAC-3'
Protein context (NP_055331.1, residues 163-183): QDRIEGLKRH[Ile173=]EKHRYHVRML